The following is an entry in ClinVar:

ClinVar aggregate classification (germline): Uncertain significance. Review status: criteria provided, multiple submitters, no conflicts (2 of 4 stars). 2 submissions from 2 submitters: Uncertain significance (2). Last evaluated 2024-04-29.

Conditions:
Hereditary cancer-predisposing syndrome. Also called: Neoplastic Syndromes, Hereditary; Tumor predisposition; Hereditary Cancer Syndrome; Hereditary neoplastic syndrome. Identifiers: Orphanet 140162, MedGen C0027672, MeSH D009386, MONDO:0015356.

Submissions (2):

Labcorp Genetics (formerly Invitae), Labcorp
Classification: Uncertain significance. Last evaluated: 2024-04-29. Review status: criteria provided, single submitter. Criteria: Invitae Variant Classification Sherloc (09022015). Collection method: clinical testing. Allele origin: germline.
Comment: This sequence change replaces serine, which is neutral and polar, with arginine, which is basic and polar, at codon 73 of the NTHL1 protein (p.Ser73Arg). This variant is not present in population databases (gnomAD no frequency). This variant has not been reported in the literature in individuals affected with NTHL1-related conditions. ClinVar contains an entry for this variant (Variation ID: 1787230). Algorithms developed to predict the effect of missense changes on protein structure and function output the following: SIFT: "Not Available"; PolyPhen-2: "Benign"; Align-GVGD: "Not Available". The arginine amino acid residue is found in multiple mammalian species, which suggests that this missense change does not adversely affect protein function. In summary, the available evidence is currently insufficient to determine the role of this variant in disease. Therefore, it has been classified as a Variant of Uncertain Significance.

Ambry Genetics
Classification: Uncertain significance for Hereditary cancer-predisposing syndrome. Last evaluated: 2021-11-22. Review status: criteria provided, single submitter. Criteria: Ambry Variant Classification Scheme 2023. Collection method: clinical testing. Allele origin: germline.
Comment: The p.S73R variant (also known as c.217A>C), located in coding exon 2 of the NTHL1 gene, results from an A to C substitution at nucleotide position 217. The serine at codon 73 is replaced by arginine, an amino acid with dissimilar properties. This amino acid position is conserved. In addition, this alteration is predicted to be tolerated by in silico analysis. Since supporting evidence is limited at this time, the clinical significance of this alteration remains unclear.

NM_002528.7(NTHL1):c.193A>C (p.Ser65Arg)

Gene: NTHL1 (nth like DNA glycosylase 1; minus strand). Cytogenetic location: 16p13.3.
Variant type: single nucleotide variant.
Coding change: c.193A>C on transcript NM_002528.7 (MANE Select); coding-DNA position 193, A replaced by C.
Protein change: p.Ser65Arg; replaces serine 65 with arginine.
Molecular consequence: missense variant. On other transcripts: synonymous variant (1).
Genome position (GRCh38, 1-based): chr16:2,046,289, T>G on the plus strand (A>C on the coding strand, the complement: NTHL1 is on the minus strand). VCF-style: chr16-2046289-T-G. GRCh37 (hg19) VCF-style: chr16-2096290-T-G.
Other names: c.193A>C, p.Ser65Arg (NM_001318193.2); c.15A>C, p.Thr5= (NM_001318194.2); short protein forms S65R.
Identifiers: ClinVar variation 1787230 (VCV001787230.5), dbSNP rs1596223211, ClinGen allele CA394297673.